The following is an entry in ClinVar:

NM_022437.3(ABCG8):c.553G>C (p.Asp185His)

Gene: ABCG8 (ATP binding cassette subfamily G member 8; plus strand). Cytogenetic location: 2p21.
Variant type: single nucleotide variant.
Coding change: c.553G>C on transcript NM_022437.3 (MANE Select); coding-DNA position 553, G replaced by C.
Protein change: p.Asp185His; replaces aspartic acid 185 with histidine.
Molecular consequence: missense variant.
Genome position (GRCh38, 1-based): chr2:43,851,814, G>C. VCF-style: chr2-43851814-G-C. GRCh37 (hg19) VCF-style: chr2-44078953-G-C.
Other names: c.553G>C, p.Asp185His (NM_001357321.2); short protein forms D185H.
Identifiers: ClinVar variation 3992644 (VCV003992644.1).

ClinVar aggregate classification (germline): Uncertain significance (1 of 4 stars; one submission).

Conditions:
Cardiovascular phenotype. Identifiers: MedGen CN230736.

gnomAD v4.1: 1 of 1,614,144 alleles (0.000062%); highest among the groups gnomAD compares: South Asian, 0.0011%; no homozygotes.

Submission:

Ambry Genetics
Classification: Uncertain significance for Cardiovascular phenotype. Last evaluated: 2025-05-05. Review status: criteria provided, single submitter. Criteria: Ambry Variant Classification Scheme 2023. Collection method: clinical testing. Allele origin: germline.
Comment: The p.D185H variant (also known as c.553G>C), located in coding exon 4 of the ABCG8 gene, results from a G to C substitution at nucleotide position 553. The aspartic acid at codon 185 is replaced by histidine, an amino acid with similar properties. This amino acid position is conserved. In addition, this alteration is predicted to be tolerated by in silico analysis. Based on the available evidence, the clinical significance of this variant remains unclear.